The following is an entry in ClinVar:

NM_018713.3(SLC30A10):c.1437T>C (p.Tyr479=)

Gene: SLC30A10 (solute carrier family 30 member 10; minus strand). Cytogenetic location: 1q41.
Variant type: single nucleotide variant.
Coding change: c.1437T>C on transcript NM_018713.3 (MANE Select); coding-DNA position 1437, T replaced by C.
Protein change: p.Tyr479=; no amino-acid change (tyrosine 479 retained).
Molecular consequence: synonymous variant. On other transcripts: non-coding transcript variant (2).
Genome position (GRCh38, 1-based): chr1:219,915,470, A>G on the plus strand (T>C on the coding strand, the complement: SLC30A10 is on the minus strand). VCF-style: chr1-219915470-A-G. GRCh37 (hg19) VCF-style: chr1-220088812-A-G.
Other names: c.1248T>C, p.Tyr416= (NM_001376929.1).
Identifiers: ClinVar variation 1626137 (VCV001626137.25), dbSNP rs144010718, ClinGen allele CA1399105.
Genomic context (GRCh38, chr1:219,915,470, plus strand): 5'-AGTGCCTCGTCTATATGGTCTGATTATGTGAGTACCAGATTAAAAATGCGTTCTGTTGAC[A>G]TAACATTGGTCCTCCTGAGTTTTGTTAAGACTTTGTCCGTGGTCACTCAGACAGCTATCC-3'
Protein context (NP_061183.2, residues 469-485): SLNKTQEDQC[Tyr479=]VNRTHF

ClinVar aggregate classification (germline): Conflicting classifications of pathogenicity. Review status: criteria provided, conflicting classifications (1 of 4 stars). 2 submissions from 2 submitters: Uncertain significance (1); Likely benign (1). Last evaluated 2024-08-01.

Allele frequency attached by ClinVar (database versions not stated): gnomAD exomes 0.00002 and 0.00003; ExAC 0.00003; gnomAD 0.00003; TOPMed 0.00003; ESP Exome Variant Server 0.00008.
gnomAD v4.1: 35 of 1,614,046 alleles (0.0022%); highest among the groups gnomAD compares: Middle Eastern, 0.049%; no homozygotes.

Submissions (2):

CeGaT Center for Human Genetics Tuebingen
Classification: Uncertain significance. Last evaluated: 2024-08-01. Review status: criteria provided, single submitter. Criteria: CeGaT Center For Human Genetics Tuebingen Variant Classification Criteria Version 2. Collection method: clinical testing. Allele origin: germline. Affected: yes. Observed: 1 variant allele.
Comment: SLC30A10: PM2:Supporting, BP4

Labcorp Genetics (formerly Invitae), Labcorp
Classification: Likely benign. Last evaluated: 2024-02-17. Review status: criteria provided, single submitter. Criteria: Invitae Variant Classification Sherloc (09022015). Collection method: clinical testing. Allele origin: germline.